The following is an entry in ClinVar:

NM_000540.3(RYR1):c.8715G>C (p.Leu2905=)

Gene: RYR1 (ryanodine receptor 1; plus strand). Cytogenetic location: 19q13.2.
Variant type: single nucleotide variant.
Coding change: c.8715G>C on transcript NM_000540.3 (MANE Select); coding-DNA position 8715, G replaced by C.
Protein change: p.Leu2905=; no amino-acid change (leucine 2905 retained).
Molecular consequence: synonymous variant.
Genome position (GRCh38, 1-based): chr19:38,506,851, G>C. VCF-style: chr19-38506851-G-C. GRCh37 (hg19) VCF-style: chr19-38997491-G-C.
Other names: c.8715G>C, p.Leu2905= (NM_001042723.2).
Identifiers: ClinVar variation 329083 (VCV000329083.37), dbSNP rs368684717, ClinGen allele CA072631.

ClinVar aggregate classification (germline): Conflicting classifications of pathogenicity. Review status: criteria provided, conflicting classifications (1 of 4 stars). 9 submissions from 8 submitters: Uncertain significance (2); Likely benign (7). Last evaluated 2026-01-21.

Conditions:
RYR1-related disorder. Also called: RYR1-related condition; RYR1-related disorders. Identifiers: MedGen CN239331.
Congenital multicore myopathy with external ophthalmoplegia (CMYO1B). Also called: Minicore myopathy with external ophthalmoplegia; MULTIMINICORE DISEASE WITH EXTERNAL OPHTHALMOPLEGIA; Congenital myopathy 1B, autosomal recessive; Minicore myopathy; MULTICORE MYOPATHY. Identifiers: Orphanet 598, Orphanet 98905, MedGen C1850674, MONDO:0009712, OMIM 255320, HP:0003789.
Malignant hyperthermia, susceptibility to, 1 (MHS1). Also called: Malignant hyperthermia suceptibility 1; RYR1-Related Malignant Hyperthermia Susceptibility; Anesthesia related hyperthermia; Malignant hyperpyrexia; Fulminating hyperpyrexia; Pharmacogenic myopathy. Identifiers: Orphanet 423, MedGen C2930980, MONDO:0007783, OMIM 145600.

Allele frequency attached by ClinVar (database versions not stated): gnomAD 0.00008; TOPMed 0.00012; ESP Exome Variant Server 0.00015.
gnomAD v4.1: 199 of 1,614,054 alleles (0.012%); highest among the groups gnomAD compares: Middle Eastern, 0.12%; no homozygotes.

Submissions (9):

Labcorp Genetics (formerly Invitae), Labcorp
Classification: Likely benign for RYR1-related disorder. Last evaluated: 2026-01-21. Review status: criteria provided, single submitter. Criteria: Invitae Variant Classification Sherloc (09022015). Collection method: clinical testing. Allele origin: germline.

CeGaT Center for Human Genetics Tuebingen
Classification: Likely benign. Last evaluated: 2025-08-01. Review status: criteria provided, single submitter. Criteria: CeGaT Center For Human Genetics Tuebingen Variant Classification Criteria Version 2. Collection method: clinical testing. Allele origin: germline. Affected: yes. Observed: 1 variant allele.
Comment: RYR1: BP4, BP7

Blueprint Genetics
Classification: Likely benign. Last evaluated: 2024-03-05. Review status: criteria provided, single submitter. Criteria: ACMG Guidelines, 2015. Collection method: clinical testing. Allele origin: germline.

All of Us Research Program, National Institutes of Health
Classification: Likely benign for Malignant hyperthermia, susceptibility to, 1. Last evaluated: 2024-02-05. Review status: criteria provided, single submitter. Criteria: ACMG Guidelines, 2015. Collection method: clinical testing. Allele origin: germline. Inheritance: Autosomal dominant inheritance. Observed: 37 variant alleles, 37 heterozygotes.
Comment: This study involves interpretation of variants in research participants for the purpose of population health screening. Participant phenotype was not available at the time of variant classification. Additional details can be found in publication PMID: 35346344, PMCID: PMC8962531

Color Diagnostics, LLC DBA Color Health
Classification: Likely benign for Malignant hyperthermia, susceptibility to, 1. Last evaluated: 2022-09-16. Review status: criteria provided, single submitter. Criteria: ACMG Guidelines, 2015. Collection method: clinical testing. Allele origin: germline.

Illumina Laboratory Services, Illumina
Classification: Uncertain significance for Congenital multicore myopathy with external ophthalmoplegia. Last evaluated: 2018-01-13. Review status: criteria provided, single submitter. Criteria: ICSL Variant Classification Criteria 13 December 2019. Collection method: clinical testing. Allele origin: germline.

Illumina Laboratory Services, Illumina
Classification: Uncertain significance for Malignant hyperthermia, susceptibility to, 1. Last evaluated: 2018-01-13. Review status: criteria provided, single submitter. Criteria: ICSL Variant Classification Criteria 13 December 2019. Collection method: clinical testing. Allele origin: germline.

PreventionGenetics, part of Exact Sciences
Classification: Likely benign. Last evaluated: 2018-01-12. Review status: criteria provided, single submitter. Criteria: ACMG Guidelines, 2015. Collection method: clinical testing. Allele origin: germline.

Genetic Services Laboratory, University of Chicago
Classification: Likely benign. Last evaluated: 2017-03-10. Review status: criteria provided, single submitter. Criteria: ACMG Guidelines, 2015. Collection method: clinical testing. Allele origin: germline. Affected: no.